The following is an entry in ClinVar:

NM_004752.4(GCM2):c.90+2T>G

Gene: GCM2 (glial cells missing transcription factor 2; minus strand). Cytogenetic location: 6p24.2.
Variant type: single nucleotide variant.
Coding change: c.90+2T>G on transcript NM_004752.4 (MANE Select); the canonical splice donor site of the intron after coding-DNA position 90, T replaced by G.
Molecular consequence: splice donor variant.
Genome position (GRCh38, 1-based): chr6:10,881,702, A>C on the plus strand (T>G on the coding strand, the complement: GCM2 is on the minus strand). VCF-style: chr6-10881702-A-C. GRCh37 (hg19) VCF-style: chr6-10881935-A-C.
Identifiers: ClinVar variation 1917623 (VCV001917623.6), dbSNP rs1779961435, ClinGen allele CA362725431.
Genomic context (GRCh38, chr6:10,881,702, plus strand): 5'-GCCATTCTCCCTCCTTCGGATGGACAGCGCCCCGCGTGCCCGCACACACCCGGTTCACTT[A>C]CCTGAGGCATCTGCGGATCGTTGATGTCCCAGCTGAGCTGCATCCCGTAGGAGCACACGC-3'

ClinVar aggregate classification (germline): Likely pathogenic. Review status: criteria provided, multiple submitters, no conflicts (2 of 4 stars). 2 submissions from 2 submitters: Likely pathogenic (2). Last evaluated 2025-02-27.

Conditions:
Familial hypoparathyroidism. Also called: Familial isolated hypoparathyroidism. Identifiers: Orphanet 2238, MedGen C1832648, MONDO:0016390.

Submissions (2):

Labcorp Genetics (formerly Invitae), Labcorp
Classification: Likely pathogenic. Last evaluated: 2025-02-27. Review status: criteria provided, single submitter. Criteria: Invitae Variant Classification Sherloc (09022015). Collection method: clinical testing. Allele origin: germline.
Comment: This sequence change affects a donor splice site in intron 1 of the GCM2 gene. It is expected to disrupt RNA splicing. Variants that disrupt the donor or acceptor splice site typically lead to a loss of protein function (PMID: 16199547), and loss-of-function variants in GCM2 are known to be pathogenic (PMID: 20190276, 23155703). This variant is not present in population databases (gnomAD no frequency). This variant has not been reported in the literature in individuals affected with GCM2-related conditions. ClinVar contains an entry for this variant (Variation ID: 1917623). Algorithms developed to predict the effect of sequence changes on RNA splicing suggest that this variant may disrupt the consensus splice site. In summary, the currently available evidence indicates that the variant is pathogenic, but additional data are needed to prove that conclusively. Therefore, this variant has been classified as Likely Pathogenic.

Women's Health and Genetics/Laboratory Corporation of America, LabCorp
Classification: Likely pathogenic for Familial hypoparathyroidism. Last evaluated: 2023-11-17. Review status: criteria provided, single submitter. Criteria: LabCorp Variant Classification Summary - May 2015. Collection method: clinical testing. Allele origin: germline.
Comment: Variant summary: GCM2 c.90+2T>G is located in a canonical splice-site and is predicted to affect mRNA splicing resulting in a significantly altered protein due to either exon skipping, shortening, or inclusion of intronic material. Several computational tools predict a significant impact on normal splicing: Four predict the variant abolishes a 5' splicing donor site. However, these predictions have yet to be confirmed by functional studies. The variant was absent in 249158 control chromosomes. To our knowledge, no occurrence of c.90+2T>G in individuals affected with Familial Hypoparathyroidism and no experimental evidence demonstrating its impact on protein function have been reported. One submitter has cited clinical-significance assessments for this variant to ClinVar after 2014 and has classified the variant as likely pathogenic. Based on the evidence outlined above, the variant was classified as likely pathogenic.

Literature cited by the submitters: PubMed 16199547 (cited by Labcorp Genetics (formerly Invitae), Labcorp); PubMed 20190276 (cited by Labcorp Genetics (formerly Invitae), Labcorp); PubMed 23155703 (cited by Labcorp Genetics (formerly Invitae), Labcorp).